The following is an entry in ClinVar:

ClinVar aggregate classification (germline): Pathogenic/Likely pathogenic. Review status: criteria provided, multiple submitters, no conflicts (2 of 4 stars). 3 submissions from 3 submitters: Pathogenic (2); Likely pathogenic (1). Last evaluated 2026-09-08.

Conditions:
Fabry disease. Also called: ALPHA-GALACTOSIDASE A DEFICIENCY; ANDERSON-FABRY DISEASE; CERAMIDE TRIHEXOSIDASE DEFICIENCY; GLA DEFICIENCY; HEREDITARY DYSTOPIC LIPIDOSIS; Angiokeratoma corporis diffusum. Identifiers: Orphanet 324, MedGen C0002986, MONDO:0010526, OMIM 301500, HP:0001071. Disease mechanism: Fabry disease is due to inactivating mutations in the X-linked GLA gene resulting in deficiency of the enzyme Alpha Galactosidase-A., loss of function.

Submissions (3):

Genomenon, Inc
Classification: Pathogenic for Fabry disease. Last evaluated: 2026-09-08. Review status: criteria provided, single submitter. Criteria: Genomenon Sequence Variant Interpretation Standards - Updated. Collection method: curation. Allele origin: germline. Affected: yes.
Comment: GLA p.Tyr86Asp (c.256T>G) is a missense variant that changes the amino acid at codon 86 from Tyrosine to Aspartic acid. This variant has been observed in at least one proband with clinical features consistent with Fabry disease (PMID:32418857). At least one functional study has demonstrated a substantial alteration in protein function relative to the wild-type (PMID:32023956;27657681;23935525). This variant is located in a mutational hotspot and/or important functional domain. It is absent or not present at a significant frequency in gnomAD. In silico models predict that this variant is possibly or probably damaging. In conclusion, we classify GLA p.Tyr86Asp (c.256T>G) as a pathogenic variant.

Women's Health and Genetics/Laboratory Corporation of America, LabCorp
Classification: Pathogenic for Fabry disease. Last evaluated: 2026-06-02. Review status: criteria provided, single submitter. Criteria: LabCorp Variant Classification Summary - May 2015. Collection method: clinical testing. Allele origin: germline.
Comment: Variant summary: GLA c.256T>G (p.Tyr86Asp) results in a non-conservative amino acid change in the encoded protein sequence. Algorithms developed to predict the effect of missense changes on protein structure and function all suggest that this variant is likely to be disruptive. The variant was absent in 183388 control chromosomes. c.256T>G has been observed in at least one hemizygous male individual affected with Fabry Disease (Stiles_2020). At least two publications report experimental evidence evaluating an impact on protein function in vitro and found that the variant results in the abolishment of enzyme activity (Lukas_2013, Lukas_2020). Additionally, a different variant affecting the same codon has been classified as likely pathogenic/pathogenic (c.256T>C, p.Tyr86His), supporting the critical relevance of codon 86 to GLA protein function. The following publications have been ascertained in the context of this evaluation (PMID: 23935525, 32023956, 32418857). ClinVar contains an entry for this variant (Variation ID: 4081420). Based on the evidence outlined above, the variant was classified as pathogenic.

Revvity Omics, Revvity
Classification: Likely pathogenic. Last evaluated: 2025-08-06. Review status: criteria provided, single submitter. Criteria: ACMG Guidelines, 2015. Collection method: clinical testing. Allele origin: germline.

Literature cited by the submitters: PubMed 32418857 (cited by Genomenon, Inc and Women's Health and Genetics/Laboratory Corporation of America, LabCorp); PubMed 32023956 (cited by Genomenon, Inc and Women's Health and Genetics/Laboratory Corporation of America, LabCorp); PubMed 27657681 (cited by Genomenon, Inc); PubMed 23935525 (cited by Genomenon, Inc and Women's Health and Genetics/Laboratory Corporation of America, LabCorp).

NM_000169.3(GLA):c.256T>G (p.Tyr86Asp)

Genes: GLA (galactosidase alpha; minus strand), RPL36A-HNRNPH2 (RPL36A-HNRNPH2 readthrough; plus strand). Cytogenetic location: Xq22.1.
Variant type: single nucleotide variant.
Coding change: c.256T>G on transcript NM_000169.3 (MANE Select); coding-DNA position 256, T replaced by G.
Protein change: p.Tyr86Asp; replaces tyrosine 86 with aspartic acid.
Molecular consequence: missense variant. On other transcripts: non-coding transcript variant (3), intron variant (2).
Genome position (GRCh38, 1-based): chrX:101,403,924, A>C on the plus strand (T>G on the coding strand, the complement: GLA is on the minus strand). VCF-style: chrX-101403924-A-C. GRCh37 (hg19) VCF-style: chrX-100658912-A-C.
Other names: c.379T>G, p.Tyr127Asp (NM_001406747.1, NM_001406749.1); c.256T>G, p.Tyr86Asp (NM_001406748.1); c.301-8012A>C (NM_001199973.2); c.178-8012A>C (NM_001199974.2); short protein forms Y127D, Y86D.
Identifiers: ClinVar variation 4081420 (VCV004081420.4).
Genomic context (GRCh38, chrX:101,403,924, plus strand): 5'-GTCTGCCTTCTGAATCTCTTTGGGGAGCCATCCAACAGTCATCAATGCAGAGGTACTCAT[A>C]ACCTGCATCCTTCCAGCCTTCTGAGACCATGAGCTCTGCCATCTCCATGAAGAGCTTCTC-3'
Protein context (NP_000160.1, residues 76-96): MVSEGWKDAG[Tyr86Asp]EYLCIDDCWM